The following is an entry in ClinVar:

NM_000245.4(MET):c.3986C>T (p.Ser1329Phe)

Gene: MET (MET proto-oncogene, receptor tyrosine kinase; plus strand). Cytogenetic location: 7q31.2.
Variant type: single nucleotide variant.
Coding change: c.3986C>T on transcript NM_000245.4 (MANE Select); coding-DNA position 3986, C replaced by T.
Protein change: p.Ser1329Phe; replaces serine 1329 with phenylalanine.
Molecular consequence: missense variant.
Genome position (GRCh38, 1-based): chr7:116,795,937, C>T. VCF-style: chr7-116795937-C-T. GRCh37 (hg19) VCF-style: chr7-116435991-C-T.
Other names: c.4040C>T (NM_001127500.1); c.4040C>T, p.Ser1347Phe (NM_001127500.3); c.2696C>T, p.Ser899Phe (NM_001324402.2); short protein forms S899F, S1347F, S1329F.
Identifiers: ClinVar variation 1035183 (VCV001035183.7), dbSNP rs1398543726, ClinGen allele CA369118160.
Genomic context (GRCh38, chr7:116,795,937, plus strand): 5'-TTTGGAACAGATATGAAGTAATGCTAAAATGCTGGCACCCTAAAGCCGAAATGCGCCCAT[C>T]CTTTTCTGAACTGGTGTCCCGGATATCAGCGATCTTCTCTACTTTCATTGGGGAGCACTA-3'
Protein context (NP_000236.2, residues 1319-1339): CWHPKAEMRP[Ser1329Phe]FSELVSRISA

ClinVar aggregate classification (germline): Uncertain significance. Review status: criteria provided, multiple submitters, no conflicts (2 of 4 stars). 2 submissions from 2 submitters: Uncertain significance (2). Last evaluated 2025-12-05.

Conditions:
Renal cell carcinoma. Identifiers: Orphanet 217071, MedGen C0007134, MeSH D002292, MONDO:0005086, HP:0005584.
Hereditary cancer-predisposing syndrome. Also called: Hereditary neoplastic syndrome; Neoplastic Syndromes, Hereditary; Tumor predisposition; Hereditary Cancer Syndrome. Identifiers: Orphanet 140162, MedGen C0027672, MeSH D009386, MONDO:0015356.

Submissions (2):

Labcorp Genetics (formerly Invitae), Labcorp
Classification: Uncertain significance for Renal cell carcinoma. Last evaluated: 2025-12-05. Review status: criteria provided, single submitter. Criteria: Invitae Variant Classification Sherloc (09022015). Collection method: clinical testing. Allele origin: germline.
Comment: This sequence change replaces serine, which is neutral and polar, with phenylalanine, which is neutral and non-polar, at codon 1347 of the MET protein (p.Ser1347Phe). This variant is not present in population databases (gnomAD no frequency). This variant has not been reported in the literature in individuals affected with MET-related conditions. ClinVar contains an entry for this variant (Variation ID: 1035183). Invitae Evidence Modeling of protein sequence and biophysical properties (such as structural, functional, and spatial information, amino acid conservation, physicochemical variation, residue mobility, and thermodynamic stability) indicates that this missense variant is not expected to disrupt MET protein function with a negative predictive value of 80%. In summary, the available evidence is currently insufficient to determine the role of this variant in disease. Therefore, it has been classified as a Variant of Uncertain Significance.

Ambry Genetics
Classification: Uncertain significance for Hereditary cancer-predisposing syndrome. Last evaluated: 2024-02-19. Review status: criteria provided, single submitter. Criteria: Ambry Variant Classification Scheme 2023. Collection method: clinical testing. Allele origin: germline.
Comment: The p.S1347F variant (also known as c.4040C>T), located in coding exon 20 of the MET gene, results from a C to T substitution at nucleotide position 4040. The serine at codon 1347 is replaced by phenylalanine, an amino acid with highly dissimilar properties. This amino acid position is not well conserved in available vertebrate species. In addition, the in silico prediction for this alteration is inconclusive. Based on the available evidence, the clinical significance of this alteration remains unclear.